The following is an entry in ClinVar:

ClinVar aggregate classification (germline): Uncertain significance (1 of 4 stars; one submission).

Conditions:
COG1 congenital disorder of glycosylation (CDG2G). Also called: CONGENITAL DISORDER OF GLYCOSYLATION, TYPE IIg; CDG IIg; CDGII/COG1 CEREBROCOSTOMANDIBULAR-LIKE SYNDROME. Identifiers: Orphanet 263508, MedGen C2931011, MONDO:0012637, OMIM 611209.

Allele frequency attached by ClinVar (database versions not stated): gnomAD exomes below 0.00001; gnomAD 0.00001; TOPMed 0.00001; ExAC 0.00002.
gnomAD v4.1: 7 of 1,613,408 alleles (0.00043%); highest among the groups gnomAD compares: Non-Finnish European, 0.00059%; no homozygotes.

Submission:

Labcorp Genetics (formerly Invitae), Labcorp
Classification: Uncertain significance for COG1 congenital disorder of glycosylation. Last evaluated: 2022-02-10. Review status: criteria provided, single submitter. Criteria: Invitae Variant Classification Sherloc (09022015). Collection method: clinical testing. Allele origin: germline.
Comment: Algorithms developed to predict the effect of sequence changes on RNA splicing suggest that this variant may disrupt the consensus splice site. In summary, the available evidence is currently insufficient to determine the role of this variant in disease. Therefore, it has been classified as a Variant of Uncertain Significance. This sequence change replaces methionine, which is neutral and non-polar, with isoleucine, which is neutral and non-polar, at codon 357 of the COG1 protein (p.Met357Ile). This variant is present in population databases (rs761343140, gnomAD 0.0009%). This variant has not been reported in the literature in individuals affected with COG1-related conditions. ClinVar contains an entry for this variant (Variation ID: 841921). Algorithms developed to predict the effect of missense changes on protein structure and function (SIFT, PolyPhen-2, Align-GVGD) all suggest that this variant is likely to be tolerated.

NM_018714.3(COG1):c.1071G>T (p.Met357Ile)

Genes: COG1 (component of oligomeric golgi complex 1; plus strand), LOC126862634 (CDK7 strongly-dependent group 2 enhancer GRCh37_chr17:71195948-71197147; plus strand). Cytogenetic location: 17q25.1.
Variant type: single nucleotide variant.
Coding change: c.1071G>T on transcript NM_018714.3 (MANE Select); coding-DNA position 1071, G replaced by T.
Protein change: p.Met357Ile; replaces methionine 357 with isoleucine.
Molecular consequence: missense variant.
Genome position (GRCh38, 1-based): chr17:73,200,566, G>T. VCF-style: chr17-73200566-G-T. GRCh37 (hg19) VCF-style: chr17-71196705-G-T.
Other names: short protein forms M357I.
Identifiers: ClinVar variation 841921 (VCV000841921.9), dbSNP rs761343140, ClinGen allele CA8740148.
Genomic context (GRCh38, chr17:73,200,566, plus strand): 5'-TTAATAAAGATGTGAACACCATGCCTCTGATGGAGCCCAAAGAACATGATTCTGTTGCAG[G>T]TGTAATGAAGACATTAAAAATGGGATCACCAACCTGCTCATGTACGTGAAGAGCATGAAG-3'
Protein context (NP_061184.1, residues 347-367): LKDTLQKWIH[Met357Ile]CNEDIKNGIT